The following is an entry in ClinVar:

NM_000179.3(MSH6):c.408C>T (p.Asp136=)

Gene: MSH6 (mutS homolog 6; plus strand). Cytogenetic location: 2p16.3.
Variant type: single nucleotide variant.
Coding change: c.408C>T on transcript NM_000179.3 (MANE Select); coding-DNA position 408, C replaced by T.
Protein change: p.Asp136=; no amino-acid change (aspartic acid 136 retained).
Molecular consequence: synonymous variant. On other transcripts: 5 prime UTR variant (2), intron variant (1).
Genome position (GRCh38, 1-based): chr2:47,791,074, C>T. VCF-style: chr2-47791074-C-T. GRCh37 (hg19) VCF-style: chr2-48018213-C-T.
Other names: c.-329C>T (NM_001281493.2); c.-495C>T (NM_001281494.2); c.238-7537C>T (NM_001281492.2).
Identifiers: ClinVar variation 237207 (VCV000237207.26), dbSNP rs878853746, ClinGen allele CA10582038.
Genomic context (GRCh38, chr2:47,791,074, plus strand): 5'-TGGAACATTCATCCGCGAGAAAGGGAAATCAGTCCGTGTTCATGTACAGTTTTTTGATGA[C>T]AGCCCAACAAGGGGCTGGGTTAGCAAAAGGCTTTTAAAGCCATATACAGGTAAGAGTCAC-3'
Protein context (NP_000170.1, residues 126-146): SVRVHVQFFD[Asp136=]SPTRGWVSKR

ClinVar aggregate classification (germline): Benign/Likely benign. Review status: criteria provided, multiple submitters, no conflicts (2 of 4 stars). 9 submissions from 9 submitters: Benign (1); Likely benign (7). 1 of the submissions does not count toward it. Last evaluated 2025-01-27.

Conditions:
MSH6-related disorder. Also called: MSH6-Related disorders; MSH6-related condition.
Hereditary nonpolyposis colorectal neoplasms. Identifiers: MedGen C0009405, MeSH D003123.
Hereditary cancer-predisposing syndrome. Also called: Hereditary neoplastic syndrome; Hereditary Cancer Syndrome; Neoplastic Syndromes, Hereditary; Tumor predisposition. Identifiers: Orphanet 140162, MedGen C0027672, MeSH D009386, MONDO:0015356.
Lynch syndrome. Identifiers: Orphanet 144, MedGen C4552100, MONDO:0005835. Disease mechanism: loss of function.
Lynch syndrome 5 (LYNCH5). Also called: Hereditary non-polyposis colorectal cancer, type 5; Colorectal cancer, hereditary nonpolyposis, type 5. Identifiers: Orphanet 144, MedGen C1833477, MONDO:0013710, OMIM 614350. Disease mechanism: loss of function.

Allele frequency attached by ClinVar (database versions not stated): gnomAD exomes below 0.00001; TOPMed 0.00002.
gnomAD v4.1: 10 of 1,614,198 alleles (0.00062%); highest among the groups gnomAD compares: African/African-American, 0.011%; no homozygotes.

Submissions (9):

Labcorp Genetics (formerly Invitae), Labcorp
Classification: Likely benign for Hereditary nonpolyposis colorectal neoplasms. Last evaluated: 2025-01-27. Review status: criteria provided, single submitter. Criteria: Invitae Variant Classification Sherloc (09022015). Collection method: clinical testing. Allele origin: germline.

Myriad Genetics, Inc.
Classification: Benign for Lynch syndrome 5. Last evaluated: 2024-12-18. Review status: criteria provided, single submitter. Criteria: Myriad Autosomal Dominant, Autosomal Recessive and X-Linked Classification Criteria (2023). Collection method: clinical testing. Allele origin: unknown.
Comment: This variant is considered benign. This variant is a silent/synonymous amino acid change and it is not expected to impact splicing.

All of Us Research Program, National Institutes of Health
Classification: Likely benign for Lynch syndrome. Last evaluated: 2024-08-13. Review status: criteria provided, single submitter. Criteria: ACMG Guidelines, 2015. Collection method: clinical testing. Allele origin: germline. Inheritance: Autosomal dominant inheritance. Observed: 2 variant alleles, 2 heterozygotes.
Comment: This study involves interpretation of variants in research participants for the purpose of population health screening. Participant phenotype was not available at the time of variant classification. Additional details can be found in publication PMID: 35346344, PMCID: PMC8962531

Quest Diagnostics Nichols Institute San Juan Capistrano
Classification: Likely benign. Last evaluated: 2021-08-26. Review status: criteria provided, single submitter. Criteria: Quest Diagnostics criteria. Collection method: clinical testing. Allele origin: unknown.

GeneDx
Classification: Likely benign. Last evaluated: 2021-04-19. Review status: criteria provided, single submitter. Criteria: GeneDx Variant Classification Process June 2021. Collection method: clinical testing. Allele origin: germline. Affected: yes.

Women's Health and Genetics/Laboratory Corporation of America, LabCorp
Classification: Likely benign. Last evaluated: 2020-01-31. Review status: criteria provided, single submitter. Criteria: LabCorp Variant Classification Summary - May 2015. Collection method: clinical testing. Allele origin: germline.

Color Diagnostics, LLC DBA Color Health
Classification: Likely benign for Hereditary cancer-predisposing syndrome. Last evaluated: 2018-07-03. Review status: criteria provided, single submitter. Criteria: ACMG Guidelines, 2015. Collection method: clinical testing. Allele origin: germline.

Ambry Genetics
Classification: Likely benign for Hereditary cancer-predisposing syndrome. Last evaluated: 2016-04-13. Review status: criteria provided, single submitter. Criteria: Ambry Variant Classification Scheme 2023. Collection method: clinical testing. Allele origin: germline.

PreventionGenetics, part of Exact Sciences
Classification: Likely benign for MSH6-related condition. Last evaluated: 2020-11-24. Review status: no assertion criteria provided. Collection method: clinical testing. Allele origin: germline. Not counted in ClinVar's aggregate classification.
Comment: This variant is classified as likely benign based on ACMG/AMP sequence variant interpretation guidelines (Richards et al. 2015 PMID: 25741868, with internal and published modifications).